The following is an entry in ClinVar:

NM_001127208.3(TET2):c.422T>G (p.Val141Gly)

Genes: TET2 (tet methylcytosine dioxygenase 2; plus strand), TET2-AS1 (TET2 antisense RNA 1; minus strand). Cytogenetic location: 4q24.
Variant type: single nucleotide variant.
Coding change: c.422T>G on transcript NM_001127208.3 (MANE Select); coding-DNA position 422, T replaced by G.
Protein change: p.Val141Gly; replaces valine 141 with glycine.
Molecular consequence: missense variant.
Genome position (GRCh38, 1-based): chr4:105,234,364, T>G. VCF-style: chr4-105234364-T-G. GRCh37 (hg19) VCF-style: chr4-106155521-T-G.
Other names: c.422T>G, p.Val141Gly (NM_017628.4); short protein forms V141G.
Identifiers: ClinVar variation 5030763 (VCV005030763.1).

ClinVar aggregate classification (germline): Uncertain significance (1 of 4 stars; one submission).

Submission:

Ambry Genetics
Classification: Uncertain significance. Last evaluated: 2026-08-22. Review status: criteria provided, single submitter. Criteria: Ambry Variant Classification Scheme 2023. Collection method: clinical testing. Allele origin: germline.
Comment: The p.V141G variant (also known as c.422T>G), located in coding exon 1 of the TET2 gene, results from a T to G substitution at nucleotide position 422. The valine at codon 141 is replaced by glycine, an amino acid with dissimilar properties. This amino acid position is conserved. In addition, this alteration is predicted to be tolerated by in silico analysis. Based on the available evidence, the clinical significance of this variant remains unclear.